The following is an entry in ClinVar:

NM_016628.5(WAC):c.25C>T (p.Gln9Ter)

Gene: WAC (WW domain containing adaptor with coiled-coil; plus strand). Cytogenetic location: 10p12.1.
Variant type: single nucleotide variant.
Coding change: c.25C>T on transcript NM_016628.5 (MANE Select); coding-DNA position 25, C replaced by T.
Protein change: p.Gln9Ter; replaces glutamine 9 with a stop codon.
Molecular consequence: nonsense. On other transcripts: intron variant (1).
Genome position (GRCh38, 1-based): chr10:28,533,604, C>T. VCF-style: chr10-28533604-C-T. GRCh37 (hg19) VCF-style: chr10-28822533-C-T.
Other names: c.25C>T, p.Gln9Ter (NM_100486.4); c.-94-394C>T (NM_100264.3); short protein forms Q9*.
Identifiers: ClinVar variation 662757 (VCV000662757.6), dbSNP rs1589110050, ClinGen allele CA376493243.

ClinVar aggregate classification (germline): Pathogenic (1 of 4 stars; one submission).

Submission:

Labcorp Genetics (formerly Invitae), Labcorp
Classification: Pathogenic. Last evaluated: 2018-12-12. Review status: criteria provided, single submitter. Criteria: Invitae Variant Classification Sherloc (09022015). Collection method: clinical testing. Allele origin: germline.
Comment: This variant is not present in population databases (ExAC no frequency). This sequence change creates a premature translational stop signal (p.Gln9*) in the WAC gene. It is expected to result in an absent or disrupted protein product. This variant has not been reported in the literature in individuals with WAC-related disease. For these reasons, this variant has been classified as Pathogenic. Loss-of-function variants in WAC are known to be pathogenic (PMID: 26264232, 26757981).

Literature cited by the submitters: PubMed 26264232; PubMed 26757981.